The following is an entry in ClinVar:

ClinVar aggregate classification (germline): Conflicting classifications of pathogenicity. Review status: criteria provided, conflicting classifications (1 of 4 stars). 3 submissions from 3 submitters: Uncertain significance (2); Likely benign (1). Last evaluated 2023-12-04.

Allele frequency attached by ClinVar (database versions not stated): gnomAD exomes below 0.00001 and 0.00001; ExAC 0.00001; gnomAD 0.00001; 1000 Genomes Project 30x 0.00016; 1000 Genomes Project 0.00020.
gnomAD v4.1: 3 of 1,614,222 alleles (0.00019%); highest among the groups gnomAD compares: Admixed American, 0.005%; no homozygotes.

Submissions (3):

Labcorp Genetics (formerly Invitae), Labcorp
Classification: Uncertain significance. Last evaluated: 2023-12-04. Review status: criteria provided, single submitter. Criteria: Invitae Variant Classification Sherloc (09022015). Collection method: clinical testing. Allele origin: germline.
Comment: This sequence change replaces asparagine, which is neutral and polar, with aspartic acid, which is acidic and polar, at codon 1014 of the TOPORS protein (p.Asn1014Asp). This variant is present in population databases (rs185044466, gnomAD 0.006%). This variant has not been reported in the literature in individuals affected with TOPORS-related conditions. ClinVar contains an entry for this variant (Variation ID: 281558). Algorithms developed to predict the effect of missense changes on protein structure and function output the following: SIFT: "Not Available"; PolyPhen-2: "Not Available"; Align-GVGD: "Not Available". The aspartic acid amino acid residue is found in multiple mammalian species, which suggests that this missense change does not adversely affect protein function. In summary, the available evidence is currently insufficient to determine the role of this variant in disease. Therefore, it has been classified as a Variant of Uncertain Significance.

Blueprint Genetics
Classification: Likely benign. Last evaluated: 2020-03-06. Review status: criteria provided, single submitter. Criteria: ACMG Guidelines, 2015. Collection method: clinical testing. Allele origin: germline.

Eurofins Ntd Llc (ga)
Classification: Uncertain significance. Last evaluated: 2015-06-30. Review status: criteria provided, single submitter. Criteria: EGL Classification Definitions 2015. Collection method: clinical testing. Allele origin: germline. Observed: 2 variant alleles, 2 heterozygotes.

NM_005802.5(TOPORS):c.3040A>G (p.Asn1014Asp)

Gene: TOPORS (TOP1 binding arginine/serine rich protein, E3 ubiquitin ligase; minus strand). Cytogenetic location: 9p21.1.
Variant type: single nucleotide variant.
Coding change: c.3040A>G on transcript NM_005802.5 (MANE Select); coding-DNA position 3040, A replaced by G.
Protein change: p.Asn1014Asp; replaces asparagine 1014 with aspartic acid.
Molecular consequence: missense variant.
Genome position (GRCh38, 1-based): chr9:32,541,485, T>C on the plus strand (A>G on the coding strand, the complement: TOPORS is on the minus strand). VCF-style: chr9-32541485-T-C. GRCh37 (hg19) VCF-style: chr9-32541483-T-C.
Other names: c.2845A>G, p.Asn949Asp (NM_001195622.2); short protein forms N1014D, N949D.
Identifiers: ClinVar variation 281558 (VCV000281558.13), dbSNP rs185044466, ClinGen allele CA5020279.